The following is an entry in ClinVar:

ClinVar aggregate classification (germline): Uncertain significance (1 of 4 stars; one submission).

Conditions:
Bardet-Biedl syndrome (BBS). Identifiers: Orphanet 110, MedGen C0752166, MONDO:0015229.

Submission:

Labcorp Genetics (formerly Invitae), Labcorp
Classification: Uncertain significance for Bardet-Biedl syndrome. Last evaluated: 2025-04-07. Review status: criteria provided, single submitter. Criteria: Invitae Variant Classification Sherloc (09022015). Collection method: clinical testing. Allele origin: germline.
Comment: This sequence change replaces glycine, which is neutral and non-polar, with glutamic acid, which is acidic and polar, at codon 117 of the BBS10 protein (p.Gly117Glu). This variant is not present in population databases (gnomAD no frequency). This variant has not been reported in the literature in individuals affected with BBS10-related conditions. ClinVar contains an entry for this variant (Variation ID: 1473546). Invitae Evidence Modeling of protein sequence and biophysical properties (such as structural, functional, and spatial information, amino acid conservation, physicochemical variation, residue mobility, and thermodynamic stability) indicates that this missense variant is not expected to disrupt BBS10 protein function with a negative predictive value of 80%. In summary, the available evidence is currently insufficient to determine the role of this variant in disease. Therefore, it has been classified as a Variant of Uncertain Significance.

NM_024685.4(BBS10):c.350G>A (p.Gly117Glu)

Gene: BBS10 (Bardet-Biedl syndrome 10; minus strand). Cytogenetic location: 12q21.2.
Variant type: single nucleotide variant.
Coding change: c.350G>A on transcript NM_024685.4 (MANE Select); coding-DNA position 350, G replaced by A.
Protein change: p.Gly117Glu; replaces glycine 117 with glutamic acid.
Molecular consequence: missense variant.
Genome position (GRCh38, 1-based): chr12:76,347,635, C>T on the plus strand (G>A on the coding strand, the complement: BBS10 is on the minus strand). VCF-style: chr12-76347635-C-T. GRCh37 (hg19) VCF-style: chr12-76741415-C-T.
Other names: short protein forms G117E.
Identifiers: ClinVar variation 1473546 (VCV001473546.8), dbSNP rs1951771611, ClinGen allele CA385815693.